The following is an entry in ClinVar:

ClinVar aggregate classification (germline): Pathogenic/Likely pathogenic. Review status: criteria provided, multiple submitters, no conflicts (2 of 4 stars). 3 submissions from 3 submitters: Pathogenic (2); Likely pathogenic (1). Last evaluated 2025-12-22.

Conditions:
Retinitis pigmentosa 20 (RP20). Identifiers: Orphanet 791, MedGen C3151086, MONDO:0013425, OMIM 613794.
Leber congenital amaurosis 2 (LCA2). Also called: AMAUROSIS CONGENITA OF LEBER II; Autosomal Recessive RPE65-Related Retinal Degeneration. Identifiers: Orphanet 65, MedGen C1859844, MONDO:0008765, OMIM 204100. Disease mechanism: loss of function.
Leber congenital amaurosis (LCA). Also called: Leber's amaurosis. Identifiers: Orphanet 65, MedGen C0339527, MeSH D057130, MONDO:0018998.
RPE65-related recessive retinopathy. Also called: Recessive RPE65 retinopathy. Identifiers: MedGen CN305526, MONDO:0100368.

Allele frequency attached by ClinVar (database versions not stated): gnomAD exomes below 0.00001.

Submissions (3):

Labcorp Genetics (formerly Invitae), Labcorp
Classification: Pathogenic for Leber congenital amaurosis 2; Retinitis pigmentosa 20. Last evaluated: 2025-12-22. Review status: criteria provided, single submitter. Criteria: Invitae Variant Classification Sherloc (09022015). Collection method: clinical testing. Allele origin: germline.
Comment: This sequence change creates a premature translational stop signal (p.Phe50Glnfs*3) in the RPE65 gene. It is expected to result in an absent or disrupted protein product. Loss-of-function variants in RPE65 are known to be pathogenic (PMID: 9326941, 9501220, 9843205, 18632300). This variant is not present in population databases (gnomAD no frequency). This variant has not been reported in the literature in individuals affected with RPE65-related conditions. ClinVar contains an entry for this variant (Variation ID: 848072). For these reasons, this variant has been classified as Pathogenic.

Natera, Inc.
Classification: Likely pathogenic for Leber congenital amaurosis. Last evaluated: 2025-09-09. Review status: criteria provided, single submitter. Criteria: Natera Variant Classification Schema (03/2026). Collection method: clinical testing. Allele origin: germline.
Comment: The c.147_148insCAAA variant in RPE65 is a frameshift variant predicted to shift the reading frame beginning at codon 50 and leads to a stop codon 3 codons downstream. This variant is expected to result in nonsense mediated decay, truncation, or a dysfunctional protein product. This variant is rare in the general population with a frequency below the threshold expected for the associated phenotype(s). Given the available evidence, this variant is classified as Likely Pathogenic.

Myriad Genetics, Inc.
Classification: Pathogenic for RPE65-related recessive retinopathy. Last evaluated: 2024-05-14. Review status: criteria provided, single submitter. Criteria: Myriad Autosomal Dominant, Autosomal Recessive and X-Linked Classification Criteria (2023). Collection method: clinical testing. Allele origin: unknown.
Comment: NM_000329.2(RPE65):c.147_148insCAAA(F50Qfs*3) is expected to be pathogenic in the context of inherited retinal dystrophy, RPE65-related. This variant is predicted to lead to an abnormal or absent protein product due to the creation of a premature termination codon in RPE65, a gene where loss-of-function variants are known to be pathogenic. Please note: this variant was assessed in the context of healthy population screening.

Literature cited by the submitters: PubMed 9326941 (cited by Labcorp Genetics (formerly Invitae), Labcorp); PubMed 9501220 (cited by Labcorp Genetics (formerly Invitae), Labcorp); PubMed 9843205 (cited by Labcorp Genetics (formerly Invitae), Labcorp); PubMed 18632300 (cited by Labcorp Genetics (formerly Invitae), Labcorp).

NM_000329.3(RPE65):c.147_148insCAAA (p.Phe50fs)

Gene: RPE65 (retinoid isomerohydrolase RPE65; minus strand). Cytogenetic location: 1p31.3.
Variant type: Insertion.
Coding change: c.147_148insCAAA on transcript NM_000329.3 (MANE Select); coding-DNA positions 147 to 148, CAAA inserted.
Protein change: p.Phe50fs; shifts the reading frame from phenylalanine 50.
Molecular consequence: frameshift variant.
Genome position: GRCh38 VCF-style: chr1-68446807-A-ATTTG. GRCh37 (hg19) VCF-style: chr1-68912490-A-ATTTG.
Other names: short protein forms F50fs.
Identifiers: ClinVar variation 848072 (VCV000848072.9), dbSNP rs1645945978, ClinGen allele CA916082037.